The following is an entry in ClinVar:

ClinVar aggregate classification (germline): Uncertain significance (0 of 4 stars; one submission).

Conditions:
ZNF592-related disorder. Also called: ZNF592-related condition.

Submission:

PreventionGenetics, part of Exact Sciences
Classification: Uncertain significance for ZNF592-related condition. Last evaluated: 2024-07-13. Review status: no assertion criteria provided. Collection method: clinical testing. Allele origin: germline.
Comment: The ZNF592 c.2789C>G variant is predicted to result in premature protein termination (p.Ser930*). To our knowledge, this variant has not been reported in the literature or in a large population database, indicating this variant is rare. Early termination changes in this gene are poorly tolerated, yet they have not been reported in the literature as causative (Human Gene Mutation Database). At this time, the clinical significance of this variant is uncertain due to the absence of conclusive functional and genetic evidence.

NM_014630.3(ZNF592):c.2789C>G (p.Ser930Ter)

Gene: ZNF592 (zinc finger protein 592; plus strand). Cytogenetic location: 15q25.3.
Variant type: single nucleotide variant.
Coding change: c.2789C>G on transcript NM_014630.3 (MANE Select); coding-DNA position 2789, C replaced by G.
Protein change: p.Ser930Ter; replaces serine 930 with a stop codon.
Molecular consequence: nonsense.
Genome position (GRCh38, 1-based): chr15:84,798,640, C>G. VCF-style: chr15-84798640-C-G. GRCh37 (hg19) VCF-style: chr15-85341871-C-G.
Other names: short protein forms S930*.
Identifiers: ClinVar variation 3354805 (VCV003354805.1).